The following is an entry in ClinVar:

ClinVar aggregate classification (germline): other (0 of 4 stars; one submission).

Conditions:
Familial colorectal cancer. Identifiers: MedGen CN280943, MONDO:0023113. Disease mechanism: loss of function.

Allele frequency attached by ClinVar (database versions not stated): TOPMed 0.15665; 1000 Genomes Project 0.18570; 1000 Genomes Project 30x 0.18832; gnomAD 0.14682 and 0.15122.
gnomAD v4.1: 22,045 of 151,430 alleles (15%); highest among the groups gnomAD compares: African/African-American, 39%; 3,418 homozygotes.

Submission:

Systems Biology Platform Zhejiang California International NanoSystems Institute
Classification: other for Familial colorectal cancer. Review status: no assertion criteria provided. Collection method: not provided. Allele origin: unknown.
ClinVar note: Converted during submission from cancer to other.

NM_000038.6(APC):c.1313-730G>C

Gene: APC (APC regulator of WNT signaling pathway; plus strand). Cytogenetic location: 5q22.2.
Variant type: single nucleotide variant.
Coding change: c.1313-730G>C on transcript NM_000038.6 (MANE Select); 730 bases into the intron before coding-DNA position 1313, G replaced by C.
Molecular consequence: intron variant.
Genome position (GRCh38, 1-based): chr5:112,821,166, G>C. VCF-style: chr5-112821166-G-C. GRCh37 (hg19) VCF-style: chr5-112156863-G-C.
Other names: c.1313-730G>C (NM_001354895.2, NM_001127510.3, NM_001354896.2); c.1343-730G>C (NM_001354897.2); c.1040-730G>C (NM_001354902.2); c.1259-730G>C (NM_001127511.3); c.1238-730G>C (NM_001354898.2); c.935-730G>C (NM_001354904.2); c.464-730G>C (NM_001354906.2); c.1010-730G>C (NM_001354903.2); and 3 more.
Identifiers: ClinVar variation 83134 (VCV000083134.2), dbSNP rs6885768, ClinGen allele CA004227.